The following is an entry in ClinVar:

NM_020843.4(SCAPER):c.3494G>A (p.Arg1165His)

Gene: SCAPER (S-phase cyclin A associated protein in the ER; minus strand). Cytogenetic location: 15q24.3.
Variant type: single nucleotide variant.
Coding change: c.3494G>A on transcript NM_020843.4 (MANE Select); coding-DNA position 3494, G replaced by A.
Protein change: p.Arg1165His; replaces arginine 1165 with histidine.
Molecular consequence: missense variant. On other transcripts: non-coding transcript variant (1).
Genome position (GRCh38, 1-based): chr15:76,381,589, C>T on the plus strand (G>A on the coding strand, the complement: SCAPER is on the minus strand). VCF-style: chr15-76381589-C-T. GRCh37 (hg19) VCF-style: chr15-76673930-C-T.
Other names: c.2756G>A, p.Arg919His (NM_001145923.2); c.3512G>A, p.Arg1171His (NM_001353009.2); c.3092G>A, p.Arg1031His (NM_001353010.2, NM_001353012.2); c.3110G>A, p.Arg1037His (NM_001353011.2); short protein forms R1031H, R1037H, R1165H, R1171H, R919H.
Identifiers: ClinVar variation 4985928 (VCV004985928.1).

ClinVar aggregate classification (germline): Uncertain significance (1 of 4 stars; one submission).

Conditions:
SCAPER-related disorder. Also called: SCAPER-related condition.

gnomAD v4.1: 19 of 1,600,064 alleles (0.0012%); highest among the groups gnomAD compares: Middle Eastern, 0.016%; no homozygotes.

Submission:

PreventionGenetics, part of Exact Sciences
Classification: Uncertain significance for SCAPER-related condition. Last evaluated: 2026-03-20. Review status: criteria provided, single submitter. Criteria: ACMG Guidelines, 2015. Collection method: clinical testing. Allele origin: germline.
Comment: The SCAPER c.3512G>A variant is predicted to result in the amino acid substitution p.Arg1171His. To our knowledge, this variant has not been reported in the literature. This variant is reported in 0.0091% of alleles in individuals of African descent in gnomAD. At this time, the clinical significance of this variant is uncertain due to the absence of conclusive functional and genetic evidence.